The following is an entry in ClinVar:

NM_004456.5(EZH2):c.480T>C (p.Asp160=)

Gene: EZH2 (enhancer of zeste 2 polycomb repressive complex 2 subunit; minus strand). Cytogenetic location: 7q36.1.
Variant type: single nucleotide variant.
Coding change: c.480T>C on transcript NM_004456.5 (MANE Select); coding-DNA position 480, T replaced by C.
Protein change: p.Asp160=; no amino-acid change (aspartic acid 160 retained).
Molecular consequence: synonymous variant.
Genome position (GRCh38, 1-based): chr7:148,829,732, A>G on the plus strand (T>C on the coding strand, the complement: EZH2 is on the minus strand). VCF-style: chr7-148829732-A-G. GRCh37 (hg19) VCF-style: chr7-148526824-A-G.
Other names: c.480T>C, p.Asp160= (NM_001203247.2); c.453T>C, p.Asp151= (NM_001203248.2, NM_001203249.2); c.363T>C, p.Asp121= (NM_152998.3).
Identifiers: ClinVar variation 3388891 (VCV003388891.14).

ClinVar aggregate classification (germline): Likely benign (1 of 4 stars; one submission).

Submission:

CeGaT Center for Human Genetics Tuebingen
Classification: Likely benign. Last evaluated: 2024-09-01. Review status: criteria provided, single submitter. Criteria: CeGaT Center For Human Genetics Tuebingen Variant Classification Criteria Version 2. Collection method: clinical testing. Allele origin: germline. Affected: yes. Observed: 1 variant allele.
Comment: EZH2: PM2:Supporting, BP4, BP7